The following is an entry in ClinVar:

GRCh38/hg38 16p12.3(chr16:18759489-19293402)x3

Genes: ARL6IP1 (ARL6 interacting reticulophagy regulator 1; minus strand), CLEC19A (C-type lectin domain containing 19A; plus strand), COQ7 (coenzyme Q7, hydroxylase; plus strand), COQ7-DT (COQ7 divergent transcript; minus strand), ITPRIPL2 (ITPRIP like 2; plus strand) and 22 more. Cytogenetic location: 16p12.3.
Variant type: copy number gain.
Change: copy number 3 (three copies instead of two) of chr16:18,759,489-19,293,402 (533.9 kb, GRCh38 coordinates, 1-based), cytogenetic band 16p12.3.
Identifiers: ClinVar variation 153402 (VCV000153402.2).

ClinVar aggregate classification (germline): Uncertain significance (0 of 4 stars; one submission).

Submission:

ISCA site 1
Classification: Uncertain significance. Last evaluated: 2013-06-04. Review status: no assertion criteria provided. Collection method: clinical testing. Allele origin: unknown. Affected: yes. Observed: 1 variant allele.
Comment: Copy number variation identified through the course of routine clinical cytogenomic testing in postnatal populations. Clinical assertions have been curated as described in Kaminsky et al. 2011.

Copy number variation identified through the course of routine clinical cytogenomic testing in postnatal populations. Clinical assertions have been curated as described in Kaminsky, et al. 2011 (PubMed 21844811). For additional ClinGen data, please see nstd37.